The following is an entry in ClinVar:

NM_018417.6(ADCY10):c.3961C>T (p.Arg1321Ter)

Gene: ADCY10 (adenylate cyclase 10; minus strand). Cytogenetic location: 1q24.2.
Variant type: single nucleotide variant.
Coding change: c.3961C>T on transcript NM_018417.6 (MANE Select); coding-DNA position 3961, C replaced by T.
Protein change: p.Arg1321Ter; replaces arginine 1321 with a stop codon.
Molecular consequence: nonsense.
Genome position (GRCh38, 1-based): chr1:167,824,567, G>A on the plus strand (C>T on the coding strand, the complement: ADCY10 is on the minus strand). VCF-style: chr1-167824567-G-A. GRCh37 (hg19) VCF-style: chr1-167793805-G-A.
Other names: c.3502C>T, p.Arg1168Ter (NM_001167749.3); c.3685C>T, p.Arg1229Ter (NM_001297772.2); c.3961C>T (NM_018417.5); short protein forms R1168*, R1229*, R1321*.
Identifiers: ClinVar variation 2060623 (VCV002060623.5), dbSNP rs1663137907, ClinGen allele CA343098840.
Genomic context (GRCh38, chr1:167,824,567, plus strand): 5'-TGCAGAGGGACTGATAATGTCGGTTGGGATTCTGGAGCAGTGCCCACATCTGAAGGGCTC[G>A]GGAGCCTGGGAAGAAAACAATTCCAGTATATTGTGGGGCATTCCTTGTATCCTCATGTCC-3'

ClinVar aggregate classification (germline): Pathogenic/Likely pathogenic. Review status: criteria provided, multiple submitters, no conflicts (2 of 4 stars). 2 submissions from 2 submitters: Pathogenic (1); Likely pathogenic (1). Last evaluated 2025-07-07.

Conditions:
ADCY10-related disorder. Also called: ADCY10-related condition.

Allele frequency attached by ClinVar (database versions not stated): gnomAD exomes below 0.00001.
gnomAD v4.1: 2 of 1,614,130 alleles (0.00012%); highest among the groups gnomAD compares: African/African-American, 0.0013%; no homozygotes.

Submissions (2):

PreventionGenetics, part of Exact Sciences
Classification: Likely pathogenic for ADCY10-related condition. Last evaluated: 2025-07-07. Review status: criteria provided, single submitter. Criteria: ACMG Guidelines, 2015. Collection method: clinical testing. Allele origin: germline.
Comment: The ADCY10 c.3961C>T variant is predicted to result in premature protein termination (p.Arg1321*). To our knowledge, this variant has not been reported in the literature or in a large population database (gnomAD), indicating this variant is rare. Nonsense variants in ADCY10 are expected to be pathogenic. This variant is interpreted as likely pathogenic.

Labcorp Genetics (formerly Invitae), Labcorp
Classification: Pathogenic. Last evaluated: 2022-12-12. Review status: criteria provided, single submitter. Criteria: Invitae Variant Classification Sherloc (09022015). Collection method: clinical testing. Allele origin: germline.
Comment: This sequence change creates a premature translational stop signal (p.Arg1321*) in the ADCY10 gene. It is expected to result in an absent or disrupted protein product. Loss-of-function variants in ADCY10 are known to be pathogenic (PMID: 31119281). For these reasons, this variant has been classified as Pathogenic. This variant has not been reported in the literature in individuals affected with ADCY10-related conditions. This variant is not present in population databases (gnomAD no frequency).

Literature cited by the submitters: PubMed 31119281 (cited by Labcorp Genetics (formerly Invitae), Labcorp).